The following is an entry in ClinVar:

NM_024537.4(CARS2):c.170G>C (p.Ser57Thr)

Genes: CARS2 (cysteinyl-tRNA synthetase 2, mitochondrial; minus strand), LOC130010127 (ATAC-STARR-seq lymphoblastoid silent region 5509; plus strand). Cytogenetic location: 13q34.
Variant type: single nucleotide variant.
Coding change: c.170G>C on transcript NM_024537.4 (MANE Select); coding-DNA position 170, G replaced by C.
Protein change: p.Ser57Thr; replaces serine 57 with threonine.
Molecular consequence: missense variant. On other transcripts: non-coding transcript variant (1), intron variant (1).
Genome position (GRCh38, 1-based): chr13:110,705,924, C>G on the plus strand (G>C on the coding strand, the complement: CARS2 is on the minus strand). VCF-style: chr13-110705924-C-G. GRCh37 (hg19) VCF-style: chr13-111358271-C-G.
Other names: c.170G>C, p.Ser57Thr (NM_001352253.3); c.-775-353G>C (NM_001352252.2); short protein forms S57T.
Identifiers: ClinVar variation 1480381 (VCV001480381.3), dbSNP rs896892259, ClinGen allele CA256331033.
Genomic context (GRCh38, chr13:110,705,924, plus strand): 5'-GCCCACCAGGAGGCGGCTTCGGCGTGCGCCACGATTAGGGGTTCCTTCCTCCCGGTGAGG[C>G]TGTTGTACACCTGCACACCCGTCTCCCGGCCCGTGGGCTGCAGCCAGGCCCGCCCGCGCC-3'
Protein context (NP_078813.1, residues 47-67): GRETGVQVYN[Ser57Thr]LTGRKEPLIV

ClinVar aggregate classification (germline): Uncertain significance (1 of 4 stars; one submission).

Conditions:
Combined oxidative phosphorylation defect type 27. Also called: Combined oxidative phosphorylation deficiency 27. Identifiers: Orphanet 477774, MedGen C5567608, MONDO:0014728, OMIM 616672.

Allele frequency attached by ClinVar (database versions not stated): TOPMed 0.00003; gnomAD 0.00004 and 0.00003; gnomAD exomes below 0.00001.
gnomAD v4.1: 6 of 1,574,608 alleles (0.00038%); highest among the groups gnomAD compares: African/African-American, 0.0041%; no homozygotes.

Submission:

Labcorp Genetics (formerly Invitae), Labcorp
Classification: Uncertain significance for Combined oxidative phosphorylation defect type 27. Last evaluated: 2022-07-12. Review status: criteria provided, single submitter. Criteria: Invitae Variant Classification Sherloc (09022015). Collection method: clinical testing. Allele origin: germline.
Comment: This sequence change replaces serine, which is neutral and polar, with threonine, which is neutral and polar, at codon 57 of the CARS2 protein (p.Ser57Thr). The frequency data for this variant in the population databases is considered unreliable, as metrics indicate poor data quality at this position in the gnomAD database. This variant has not been reported in the literature in individuals affected with CARS2-related conditions. ClinVar contains an entry for this variant (Variation ID: 1480381). Algorithms developed to predict the effect of missense changes on protein structure and function are either unavailable or do not agree on the potential impact of this missense change (SIFT: "Tolerated"; PolyPhen-2: "Possibly Damaging"; Align-GVGD: "Class C0"). In summary, the available evidence is currently insufficient to determine the role of this variant in disease. Therefore, it has been classified as a Variant of Uncertain Significance.